The following is an entry in ClinVar:

NM_000260.4(MYO7A):c.6363G>A (p.Thr2121=)

Gene: MYO7A (myosin VIIA; plus strand). Cytogenetic location: 11q13.5.
Variant type: single nucleotide variant.
Coding change: c.6363G>A on transcript NM_000260.4 (MANE Select); coding-DNA position 6363, G replaced by A.
Protein change: p.Thr2121=; no amino-acid change (threonine 2121 retained).
Molecular consequence: synonymous variant.
Genome position (GRCh38, 1-based): chr11:77,212,960, G>A. VCF-style: chr11-77212960-G-A. GRCh37 (hg19) VCF-style: chr11-76924005-G-A.
Other names: c.6243G>A, p.Thr2081= (NM_001127180.2); c.6216G>A, p.Thr2072= (NM_001369365.1).
Identifiers: ClinVar variation 178493 (VCV000178493.25), dbSNP rs367738288, ClinGen allele CA182434.

ClinVar aggregate classification (germline): Conflicting classifications of pathogenicity. Review status: criteria provided, conflicting classifications (1 of 4 stars). 9 submissions from 7 submitters: Uncertain significance (3); Likely benign (5). 1 of the submissions does not count toward it. Last evaluated 2026-01-13.

Conditions:
Autosomal dominant nonsyndromic hearing loss 11. Identifiers: Orphanet 90635, MedGen C1832475, MONDO:0011032, OMIM 601317.
Autosomal recessive nonsyndromic hearing loss 2. Also called: NEUROSENSORY NONSYNDROMIC RECESSIVE DEAFNESS 2; DEAFNESS, AUTOSOMAL RECESSIVE 2. Identifiers: Orphanet 90636, MedGen C1838701, MONDO:0010807, OMIM 600060.
MYO7A-related disorder. Also called: MYO7A-related disorders.
Usher syndrome type 1 (USH1). Also called: RETINITIS PIGMENTOSA AND CONGENITAL DEAFNESS. Identifiers: Orphanet 231169, Orphanet 886, MedGen C1568247, MONDO:0010168, OMIM 276900.

Allele frequency attached by ClinVar (database versions not stated): gnomAD exomes 0.00013; gnomAD 0.00020 and 0.00021; TOPMed 0.00023; ExAC 0.00024; ESP Exome Variant Server 0.00025; 1000 Genomes Project 30x 0.00031; 1000 Genomes Project 0.00040.
gnomAD v4.1: 469 of 1,593,510 alleles (0.029%); highest among the groups gnomAD compares: Non-Finnish European, 0.035%; 1 homozygote.

Submissions (11):

Labcorp Genetics (formerly Invitae), Labcorp
Classification: Likely benign. Last evaluated: 2026-01-13. Review status: criteria provided, single submitter. Criteria: Invitae Variant Classification Sherloc (09022015). Collection method: clinical testing. Allele origin: germline.

Blueprint Genetics
Classification: Likely benign. Last evaluated: 2024-09-25. Review status: criteria provided, single submitter. Criteria: ACMG Guidelines, 2015. Collection method: clinical testing. Allele origin: germline.

GeneDx
Classification: Likely benign. Last evaluated: 2019-07-11. Review status: criteria provided, single submitter. Criteria: GeneDx Variant Classification Process June 2021. Collection method: clinical testing. Allele origin: germline. Affected: yes.

Athena Diagnostics
Classification: Likely benign. Last evaluated: 2019-03-20. Review status: criteria provided, single submitter. Criteria: Athena Diagnostics Criteria. Collection method: clinical testing. Allele origin: germline.

Illumina Laboratory Services, Illumina
Classification: Uncertain significance for Autosomal dominant nonsyndromic hearing loss 11. Last evaluated: 2018-01-12. Review status: criteria provided, single submitter. Criteria: ICSL Variant Classification Criteria 13 December 2019. Collection method: clinical testing. Allele origin: germline.

Illumina Laboratory Services, Illumina
Classification: Uncertain significance for Usher syndrome type 1. Last evaluated: 2018-01-12. Review status: criteria provided, single submitter. Criteria: ICSL Variant Classification Criteria 13 December 2019. Collection method: clinical testing. Allele origin: germline.

Illumina Laboratory Services, Illumina
Classification: Uncertain significance for Autosomal recessive nonsyndromic hearing loss 2. Last evaluated: 2018-01-12. Review status: criteria provided, single submitter. Criteria: ICSL Variant Classification Criteria 13 December 2019. Collection method: clinical testing. Allele origin: germline.

Laboratory for Molecular Medicine, Mass General Brigham Personalized Medicine
Classification: Likely benign. Last evaluated: 2015-11-25. Review status: criteria provided, single submitter. Criteria: LMM Criteria. Collection method: clinical testing. Allele origin: germline. Observed: 2 variant alleles.
Comment: p.Thr2121Thr in exon 47 of MYO7A: This variant is not expected to have clinical significance because it does not alter an amino acid residue, is not located wit hin the splice consensus sequence. It has been identified in 9/18856 European c hromosomes by the Exome Aggregation Consortium (ExAC .org; dbSNP rs367738288).

PreventionGenetics, part of Exact Sciences
Classification: Likely benign for MYO7A-related condition. Last evaluated: 2020-02-19. Review status: no assertion criteria provided. Collection method: clinical testing. Allele origin: germline. Not counted in ClinVar's aggregate classification.
Comment: This variant is classified as likely benign based on ACMG/AMP sequence variant interpretation guidelines (Richards et al. 2015 PMID: 25741868, with internal and published modifications).

Dr. Peter K. Rogan Lab, Western University
No classification provided (evidence only). Condition: Lung cancer. Review status: no classification provided. Collection method: in vitro. Allele origin: not applicable. Functional consequence: retained intron. Not counted in ClinVar's aggregate classification.

Dr. Peter K. Rogan Lab, Western University
No classification provided (evidence only). Condition: Familial cancer of breast. Review status: no classification provided. Collection method: in vitro. Allele origin: not applicable. Functional consequence: retained intron. Not counted in ClinVar's aggregate classification.